The following is an entry in ClinVar:

NM_001905.4(CTPS1):c.1094+14G>A

Gene: CTPS1 (CTP synthase 1; plus strand). Cytogenetic location: 1p34.2.
Variant type: single nucleotide variant.
Coding change: c.1094+14G>A on transcript NM_001905.4 (MANE Select); 14 bases into the intron after coding-DNA position 1094, G replaced by A.
Molecular consequence: intron variant.
Genome position (GRCh38, 1-based): chr1:41,001,131, G>A. VCF-style: chr1-41001131-G-A. GRCh37 (hg19) VCF-style: chr1-41466803-G-A.
Other names: c.626+14G>A (NM_001301237.2).
Identifiers: ClinVar variation 402571 (VCV000402571.18), dbSNP rs12718433, ClinGen allele CA795416.
Genomic context (GRCh38, chr1:41,001,131, plus strand): 5'-GAGCCCGTGCGCTACCACGAAGCTTGGCAGAAGCTCTGTAGTGCTCAGTGAGTAGAGTTC[G>A]CTGCCTTGGGTTTCCAGAGTTCTTTTGGTTTGTTTTAATGAAAAAGTCCTCTTGTTTTCA-3'

ClinVar aggregate classification (germline): Benign/Likely benign. Review status: criteria provided, multiple submitters, no conflicts (2 of 4 stars). 6 submissions from 6 submitters: Benign (5); Likely benign (1). Last evaluated 2026-02-04.

Conditions:
Combined immunodeficiency due to CTPS1 deficiency. Also called: Severe combined immunodeficiency due to CTPS1 deficiency; Immunodeficiency 24. Identifiers: Orphanet 420573, MedGen C4014617, MONDO:0014391, OMIM 615897.

Allele frequency attached by ClinVar (database versions not stated): 1000 Genomes Project 30x 0.32948; 1000 Genomes Project 0.33307; ESP Exome Variant Server 0.33323; TOPMed 0.35286; ExAC 0.40480; gnomAD exomes 0.40636.
gnomAD v4.1: 646,948 of 1,584,336 alleles (41%); highest among the groups gnomAD compares: Admixed American, 53%; 136,227 homozygotes.

Submissions (6):

Labcorp Genetics (formerly Invitae), Labcorp
Classification: Benign for Combined immunodeficiency due to CTPS1 deficiency. Last evaluated: 2026-02-04. Review status: criteria provided, single submitter. Criteria: Invitae Variant Classification Sherloc (09022015). Collection method: clinical testing. Allele origin: germline.

Blueprint Genetics
Classification: Likely benign. Last evaluated: 2024-11-26. Review status: criteria provided, single submitter. Criteria: ACMG Guidelines, 2015. Collection method: clinical testing. Allele origin: germline.

Unidad de Genómica Garrahan, Hospital de Pediatría Garrahan
Classification: Benign. Last evaluated: 2023-11-12. Review status: criteria provided, single submitter. Criteria: ACMG Guidelines, 2015. Collection method: clinical testing. Allele origin: germline. Affected: no. Observed: 70 variant alleles.
Comment: This variant is classified as Benign based on local population frequency. This variant was detected in 73% of patients studied by a panel of primary immunodeficiencies. Number of patients: 70. Only high quality variants are reported.

Genome-Nilou Lab
Classification: Benign for Combined immunodeficiency due to CTPS1 deficiency. Last evaluated: 2021-07-30. Review status: criteria provided, single submitter. Criteria: ACMG Guidelines, 2015. Collection method: clinical testing. Allele origin: germline. Affected: no.

Laboratory for Molecular Medicine, Mass General Brigham Personalized Medicine
Classification: Benign. Last evaluated: 2016-03-28. Review status: criteria provided, single submitter. Criteria: LMM Criteria. Collection method: clinical testing. Allele origin: germline.
Comment: Variant identified in a genome or exome case(s) and assessed due to predicted null impact of the variant or pathogenic assertions in the literature or databases. Disclaimer: This variant has not undergone full assessment. The following are preliminary notes: Frequency

Breakthrough Genomics
Classification: Benign. Review status: criteria provided, single submitter. Criteria: ACMG Guidelines, 2015. Collection method: not provided. Allele origin: germline. Inheritance: Autosomal recessive inheritance. Affected: yes.